The following is an entry in ClinVar:

NM_002056.4(GFPT1):c.476T>C (p.Met159Thr)

Gene: GFPT1 (glutamine--fructose-6-phosphate transaminase 1; minus strand). Cytogenetic location: 2p13.3.
Variant type: single nucleotide variant.
Coding change: c.476T>C on transcript NM_002056.4; coding-DNA position 476, T replaced by C.
Protein change: p.Met159Thr; replaces methionine 159 with threonine.
Genome position (GRCh38, 1-based): chr2:69,358,396, A>G on the plus strand (T>C on the coding strand, the complement: GFPT1 is on the minus strand). VCF-style: chr2-69358396-A-G. GRCh37 (hg19) VCF-style: chr2-69585528-A-G.
Other names: c.476T>C, p.Met159Thr (NM_001244710.2); short protein forms M159T.
Identifiers: ClinVar variation 1691777 (VCV001691777.5), dbSNP rs2104655697, ClinGen allele CA347131855.
Genomic context (GRCh38, chr2:69,358,396, plus strand): 5'-TGGATAACTCTCTCCACCAAGGTAGTAAAGCTGGTATCTTGACTTTCCCGATTGTCATAC[A>G]TATACTTAACGAGCTTGGCAATTGTCTCTGTGTCTGTTTCAGATTCGAAGTCATAGCCTT-3'

ClinVar aggregate classification (germline): Uncertain significance (1 of 4 stars; one submission).

Submission:

GeneDx
Classification: Uncertain significance. Last evaluated: 2026-09-22. Review status: criteria provided, single submitter. Criteria: GeneDx Variant Classification Process June 2021. Collection method: clinical testing. Allele origin: germline.
Comment: Not observed at significant frequency in large population cohorts (gnomAD); In silico analysis suggests that this missense variant does not alter protein structure/function; Missense variants in this gene are a common cause of disease and they are underrepresented in the general population; Has not been previously published as pathogenic or benign to our knowledge; This variant is associated with the following publications: (PMID: 23569079)